The following is an entry in ClinVar:

NM_025193.4(HSD3B7):c.1025del (p.Phe342fs)

Gene: HSD3B7 (hydroxy-delta-5-steroid dehydrogenase, 3 beta- and steroid delta-isomerase 7; plus strand). Cytogenetic location: 16p11.2.
Variant type: Deletion.
Coding change: c.1025del on transcript NM_025193.4 (MANE Select); coding-DNA position 1025, one base deleted (T; older notation c.1025delT).
Protein change: p.Phe342fs; shifts the reading frame from phenylalanine 342.
Molecular consequence: frameshift variant. On other transcripts: 3 prime UTR variant (2).
Genome position (GRCh38, 1-based): chr16:30,988,098, T deleted; the last of 3 consecutive T bases (chr16:30,988,096-30,988,098); deleting any one gives the same sequence. VCF-style (leftmost placement, unchanged base first): chr16-30988095-AT-A. GRCh37 (hg19) VCF-style: chr16-30999416-AT-A.
Other names: p.Phe342Serfs*75; c.*271del (NM_001142777.2, NM_001142778.2); short protein forms F342fs.
Identifiers: ClinVar variation 2628801 (VCV002628801.3), dbSNP rs775934717, ClinGen allele CA8018165.

ClinVar aggregate classification (germline): Likely pathogenic. Review status: criteria provided, multiple submitters, no conflicts (2 of 4 stars). 3 submissions from 3 submitters: Likely pathogenic (3). Last evaluated 2024-01-24.

Conditions:
Congenital bile acid synthesis defect 1 (CBAS1). Also called: 3-BETA-HYDROXY-DELTA-5-C27-STEROID OXIDOREDUCTASE DEFICIENCY. Identifiers: Orphanet 79301, MedGen C1843116, MONDO:0011906, OMIM 607765.
HSD3B7-related disorder. Also called: HSD3B7-related condition.

Submissions (3):

Fulgent Genetics
Classification: Likely pathogenic for Congenital bile acid synthesis defect 1. Last evaluated: 2024-01-24. Review status: criteria provided, single submitter. Criteria: ACMG Guidelines, 2015. Collection method: clinical testing. Allele origin: germline.

PreventionGenetics, part of Exact Sciences
Classification: Likely pathogenic for HSD3B7-related condition. Last evaluated: 2023-07-25. Review status: criteria provided, single submitter. Criteria: ACMG Guidelines, 2015. Collection method: clinical testing. Allele origin: germline.
Comment: The HSD3B7 c.1025delT variant is predicted to result in a frameshift and premature protein termination (p.Phe342Serfs*75). This variant was reported in the homozygous state in an individual with 3-beta-hydroxy-delta-5-C27-steroid oxidoreductase deficiency (variant referred to as 1042, delta T in Cheng et al. 2003. PubMed ID: 12679481). This variant is reported in 0.0058% of alleles in individuals of Latino descent in gnomAD. This variant is interpreted as likely pathogenic.

Mayo Clinic Laboratories, Mayo Clinic
Classification: Likely pathogenic. Last evaluated: 2022-06-23. Review status: criteria provided, single submitter. Criteria: ACMG Guidelines, 2015. Collection method: clinical testing. Allele origin: germline. Observed: 1 variant allele.
Comment: PM2, PM3_supporting, PM4, PS3

Literature cited by the submitters: PubMed 12679481 (cited by Mayo Clinic Laboratories, Mayo Clinic).